The following is an entry in ClinVar:

ClinVar aggregate classification (germline): Uncertain significance (1 of 4 stars; one submission).

Submission:

GeneDx
Classification: Uncertain significance. Last evaluated: 2022-11-28. Review status: criteria provided, single submitter. Criteria: GeneDx Variant Classification Process June 2021. Collection method: clinical testing. Allele origin: germline. Affected: yes.
Comment: Not observed at significant frequency in large population cohorts (gnomAD); In silico analysis supports that this missense variant does not alter protein structure/function; Has not been previously published as pathogenic or benign to our knowledge

NM_001303052.2(MYT1L):c.2474A>G (p.Lys825Arg)

Gene: MYT1L (myelin transcription factor 1 like; minus strand). Cytogenetic location: 2p25.3.
Variant type: single nucleotide variant.
Coding change: c.2474A>G on transcript NM_001303052.2 (MANE Select); coding-DNA position 2474, A replaced by G.
Protein change: p.Lys825Arg; replaces lysine 825 with arginine.
Molecular consequence: missense variant.
Genome position (GRCh38, 1-based): chr2:1,889,287, T>C on the plus strand (A>G on the coding strand, the complement: MYT1L is on the minus strand). VCF-style: chr2-1889287-T-C. GRCh37 (hg19) VCF-style: chr2-1893059-T-C.
Other names: c.2474A>G, p.Lys825Arg (NM_001329844.2, NM_001329845.1, NM_001329851.3); c.2468A>G, p.Lys823Arg (NM_001329846.3, NM_001329847.2, NM_001329848.1 and 3 more transcripts); short protein forms K823R, K825R.
Identifiers: ClinVar variation 2505776 (VCV002505776.1), dbSNP rs2550702470, ClinGen allele CA345710581.